The following is an entry in ClinVar:

NM_005529.7(HSPG2):c.11769A>G (p.Glu3923=)

Gene: HSPG2 (heparan sulfate proteoglycan 2; minus strand). Cytogenetic location: 1p36.12.
Variant type: single nucleotide variant.
Coding change: c.11769A>G on transcript NM_005529.7 (MANE Select); coding-DNA position 11769, A replaced by G.
Protein change: p.Glu3923=; no amino-acid change (glutamic acid 3923 retained).
Molecular consequence: synonymous variant.
Genome position (GRCh38, 1-based): chr1:21,829,994, T>C on the plus strand (A>G on the coding strand, the complement: HSPG2 is on the minus strand). VCF-style: chr1-21829994-T-C. GRCh37 (hg19) VCF-style: chr1-22156487-T-C.
Other names: c.11772A>G, p.Glu3924= (NM_001291860.2).
Identifiers: ClinVar variation 1036976 (VCV001036976.8), dbSNP rs1469146756, ClinGen allele CA416544434.

ClinVar aggregate classification (germline): Uncertain significance (1 of 4 stars; one submission).

Allele frequency attached by ClinVar (database versions not stated): gnomAD exomes below 0.00001.
gnomAD v4.1: 2 of 1,606,334 alleles (0.00012%); highest among the groups gnomAD compares: Non-Finnish European, 0.00017%; no homozygotes.

Submission:

Labcorp Genetics (formerly Invitae), Labcorp
Classification: Uncertain significance. Last evaluated: 2020-10-14. Review status: criteria provided, single submitter. Criteria: Invitae Variant Classification Sherloc (09022015). Collection method: clinical testing. Allele origin: germline.
Comment: In summary, the available evidence is currently insufficient to determine the role of this variant in disease. Therefore, it has been classified as a Variant of Uncertain Significance. Algorithms developed to predict the effect of sequence changes on RNA splicing suggest that this variant may disrupt the consensus splice site, but this prediction has not been confirmed by published transcriptional studies. This variant is not present in population databases (ExAC no frequency). This sequence change affects codon 3923 of the HSPG2 mRNA. It is a 'silent' change, meaning that it does not change the encoded amino acid sequence of the HSPG2 protein. This variant has not been reported in the literature in individuals with HSPG2-related conditions.